The following is an entry in ClinVar:

ClinVar aggregate classification (germline): Uncertain significance. Review status: criteria provided, multiple submitters, no conflicts (2 of 4 stars). 2 submissions from 2 submitters: Uncertain significance (2). Last evaluated 2024-11-04.

Conditions:
Distal hereditary motor neuropathy type 2. Identifiers: Orphanet 139525, MedGen C3711384, MeSH C580044, MONDO:0015352.

Allele frequency attached by ClinVar (database versions not stated): TOPMed below 0.00001; gnomAD 0.00001; ExAC 0.00002; gnomAD exomes 0.00007; 1000 Genomes Project 30x 0.00016; 1000 Genomes Project 0.00020.
gnomAD v4.1: 99 of 1,613,596 alleles (0.0061%); highest among the groups gnomAD compares: Non-Finnish European, 0.0082%; no homozygotes.

Submissions (2):

Labcorp Genetics (formerly Invitae), Labcorp
Classification: Uncertain significance for Distal hereditary motor neuropathy type 2. Last evaluated: 2024-11-04. Review status: criteria provided, single submitter. Criteria: Invitae Variant Classification Sherloc (09022015). Collection method: clinical testing. Allele origin: germline.
Comment: This sequence change replaces glutamic acid, which is acidic and polar, with lysine, which is basic and polar, at codon 557 of the FBXO38 protein (p.Glu557Lys). This variant is present in population databases (rs556139503, gnomAD 0.005%). This variant has not been reported in the literature in individuals affected with FBXO38-related conditions. ClinVar contains an entry for this variant (Variation ID: 1777635). Invitae Evidence Modeling of protein sequence and biophysical properties (such as structural, functional, and spatial information, amino acid conservation, physicochemical variation, residue mobility, and thermodynamic stability) indicates that this missense variant is not expected to disrupt FBXO38 protein function with a negative predictive value of 80%. In summary, the available evidence is currently insufficient to determine the role of this variant in disease. Therefore, it has been classified as a Variant of Uncertain Significance.

Ambry Genetics
Classification: Uncertain significance. Last evaluated: 2020-08-26. Review status: criteria provided, single submitter. Criteria: Ambry Variant Classification Scheme 2023. Collection method: clinical testing. Allele origin: germline.
Comment: The p.E557K variant (also known as c.1669G>A), located in coding exon 12 of the FBXO38 gene, results from a G to A substitution at nucleotide position 1669. The glutamic acid at codon 557 is replaced by lysine, an amino acid with similar properties. This amino acid position is well conserved in available vertebrate species. In addition, this alteration is predicted to be tolerated by in silico analysis. Since supporting evidence is limited at this time, the clinical significance of this alteration remains unclear.

NM_205836.3(FBXO38):c.1669G>A (p.Glu557Lys)

Gene: FBXO38 (F-box protein 38; plus strand). Cytogenetic location: 5q32.
Variant type: single nucleotide variant.
Coding change: c.1669G>A on transcript NM_205836.3 (MANE Select); coding-DNA position 1669, G replaced by A.
Protein change: p.Glu557Lys; replaces glutamic acid 557 with lysine.
Molecular consequence: missense variant.
Genome position (GRCh38, 1-based): chr5:148,424,048, G>A. VCF-style: chr5-148424048-G-A. GRCh37 (hg19) VCF-style: chr5-147803611-G-A.
Other names: c.1669G>A, p.Glu557Lys (NM_001271723.2, NM_030793.5); short protein forms E557K.
Identifiers: ClinVar variation 1777635 (VCV001777635.5), dbSNP rs556139503, ClinGen allele CA3497338.